The following is an entry in ClinVar:

ClinVar aggregate classification (germline): Uncertain significance (1 of 4 stars; one submission).

Conditions:
Nemaline myopathy 2 (NEM2). Also called: Nemaline myopathy 2, autosomal recessive. Identifiers: MedGen C1850569, MONDO:0009725, OMIM 256030.

Submission:

Labcorp Genetics (formerly Invitae), Labcorp
Classification: Uncertain significance for Nemaline myopathy 2. Last evaluated: 2022-10-09. Review status: criteria provided, single submitter. Criteria: Invitae Variant Classification Sherloc (09022015). Collection method: clinical testing. Allele origin: germline.
Comment: This sequence change replaces glutamic acid, which is acidic and polar, with aspartic acid, which is acidic and polar, at codon 6201 of the NEB protein (p.Glu6201Asp). This variant is not present in population databases (gnomAD no frequency). This variant has not been reported in the literature in individuals affected with NEB-related conditions. Algorithms developed to predict the effect of missense changes on protein structure and function are either unavailable or do not agree on the potential impact of this missense change (SIFT: "Deleterious"; PolyPhen-2: "Not Available"; Align-GVGD: "Class C0"). In summary, the available evidence is currently insufficient to determine the role of this variant in disease. Therefore, it has been classified as a Variant of Uncertain Significance.

NM_001164508.2(NEB):c.18603G>C (p.Glu6201Asp)

Gene: NEB (nebulin; minus strand). Cytogenetic location: 2q23.3.
Variant type: single nucleotide variant.
Coding change: c.18603G>C on transcript NM_001164508.2 (MANE Select); coding-DNA position 18603, G replaced by C.
Protein change: p.Glu6201Asp; replaces glutamic acid 6201 with aspartic acid.
Molecular consequence: missense variant.
Genome position (GRCh38, 1-based): chr2:151,563,696, C>G on the plus strand (G>C on the coding strand, the complement: NEB is on the minus strand). VCF-style: chr2-151563696-C-G. GRCh37 (hg19) VCF-style: chr2-152420210-C-G.
Other names: c.18603G>C, p.Glu6201Asp (NM_001164507.2, NM_001271208.2); c.13500G>C, p.Glu4500Asp (NM_004543.5); short protein forms E4500D, E6201D.
Identifiers: ClinVar variation 1721331 (VCV001721331.3), dbSNP rs2552191229, ClinGen allele CA348799934.